The following is an entry in ClinVar:

ClinVar aggregate classification (germline): Likely benign. Review status: criteria provided, multiple submitters, no conflicts (2 of 4 stars). 2 submissions from 2 submitters: Likely benign (2). Last evaluated 2023-05-19.

Conditions:
Malignant hyperthermia, susceptibility to, 5 (MHS5). Also called: CACNA1S-Related Malignant Hyperthermia Susceptibility. Identifiers: Orphanet 423, MedGen C1866077, MONDO:0011163, OMIM 601887.
Hypokalemic periodic paralysis, type 1. Also called: Hypokalemic Periodic Paralysis Type 1 (AD); HypoPP. Identifiers: Orphanet 681, MedGen C3714580, MONDO:0042979, OMIM 170400.

gnomAD v4.1: 1 of 1,613,802 alleles (0.000062%); highest among the groups gnomAD compares: African/African-American, 0.0013%; no homozygotes.

Submissions (2):

Labcorp Genetics (formerly Invitae), Labcorp
Classification: Likely benign for Hypokalemic periodic paralysis, type 1; Malignant hyperthermia, susceptibility to, 5. Last evaluated: 2023-05-19. Review status: criteria provided, single submitter. Criteria: Invitae Variant Classification Sherloc (09022015). Collection method: clinical testing. Allele origin: germline.

All of Us Research Program, National Institutes of Health
Classification: Likely benign for Malignant hyperthermia, susceptibility to, 5. Last evaluated: 2023-05-16. Review status: criteria provided, single submitter. Criteria: ACMG Guidelines, 2015. Collection method: clinical testing. Allele origin: germline. Inheritance: Autosomal dominant inheritance. Observed: 1 variant allele, 1 heterozygote.
Comment: This study involves interpretation of variants in research participants for the purpose of population health screening. Participant phenotype was not available at the time of variant classification. Additional details can be found in publication PMID: 35346344, PMCID: PMC8962531

NM_000069.3(CACNA1S):c.5280G>T (p.Gly1760=)

Gene: CACNA1S (calcium voltage-gated channel subunit alpha1 S; minus strand). Cytogenetic location: 1q32.1.
Variant type: single nucleotide variant.
Coding change: c.5280G>T on transcript NM_000069.3 (MANE Select); coding-DNA position 5280, G replaced by T.
Protein change: p.Gly1760=; no amino-acid change (glycine 1760 retained).
Molecular consequence: synonymous variant.
Genome position (GRCh38, 1-based): chr1:201,040,321, C>A on the plus strand (G>T on the coding strand, the complement: CACNA1S is on the minus strand). VCF-style: chr1-201040321-C-A. GRCh37 (hg19) VCF-style: chr1-201009449-C-A.
Identifiers: ClinVar variation 2930413 (VCV002930413.4), dbSNP rs1401042445, ClinGen allele CA422815146.